The following is an entry in ClinVar:

ClinVar aggregate classification (germline): Uncertain significance (1 of 4 stars; one submission).

Submission:

GeneDx
Classification: Uncertain significance. Last evaluated: 2023-07-20. Review status: criteria provided, single submitter. Criteria: GeneDx Variant Classification Process June 2021. Collection method: clinical testing. Allele origin: germline. Affected: yes.
Comment: Not observed at significant frequency in large population cohorts (gnomAD); In silico analysis supports that this missense variant has a deleterious effect on protein structure/function; Has not been previously published as pathogenic or benign to our knowledge

NM_033305.3(VPS13A):c.8939C>T (p.Thr2980Ile)

Gene: VPS13A (vacuolar protein sorting 13 homolog A; plus strand). Cytogenetic location: 9q21.2.
Variant type: single nucleotide variant.
Coding change: c.8939C>T on transcript NM_033305.3 (MANE Select); coding-DNA position 8939, C replaced by T.
Protein change: p.Thr2980Ile; replaces threonine 2980 with isoleucine.
Molecular consequence: missense variant.
Genome position (GRCh38, 1-based): chr9:77,370,921, C>T. VCF-style: chr9-77370921-C-T. GRCh37 (hg19) VCF-style: chr9-79985837-C-T.
Other names: c.8822C>T, p.Thr2941Ile (NM_001018037.2); c.8939C>T, p.Thr2980Ile (NM_001018038.3, NM_015186.4); short protein forms T2941I, T2980I.
Identifiers: ClinVar variation 3361051 (VCV003361051.1).
Genomic context (GRCh38, chr9:77,370,921, plus strand): 5'-GTAAATTTTCAGTTGTGTTTTCCTTCTAGGGATTTGTTAGTGGCATAACAGGAATTGTTA[C>T]AAAACCAATCAAAGGCAAGTATAGTAGTTCCTTTGCAAGTCTTTCTAAGTTGATTCTGTT-3'
Protein context (NP_150648.2, residues 2970-2990): GFVSGITGIV[Thr2980Ile]KPIKGAQKGG